The following is an entry in ClinVar:

ClinVar aggregate classification (germline): Pathogenic (1 of 4 stars; one submission).

Conditions:
Werner syndrome (WRN). Identifiers: Orphanet 902, MedGen C0043119, MONDO:0010196, OMIM 277700.

Allele frequency attached by ClinVar (database versions not stated): TOPMed below 0.00001.

Submission:

Labcorp Genetics (formerly Invitae), Labcorp
Classification: Pathogenic for Werner syndrome. Last evaluated: 2023-01-27. Review status: criteria provided, single submitter. Criteria: Invitae Variant Classification Sherloc (09022015). Collection method: clinical testing. Allele origin: germline.
Comment: This variant is not present in population databases (gnomAD no frequency). This sequence change creates a premature translational stop signal (p.Tyr770*) in the WRN gene. It is expected to result in an absent or disrupted protein product. Loss-of-function variants in WRN are known to be pathogenic (PMID: 16673358). This variant has not been reported in the literature in individuals affected with WRN-related conditions. For these reasons, this variant has been classified as Pathogenic. Algorithms developed to predict the effect of sequence changes on RNA splicing suggest that this variant may disrupt the consensus splice site.

Literature cited by the submitters: PubMed 16673358.

NM_000553.6(WRN):c.2310C>A (p.Tyr770Ter)

Gene: WRN (WRN RecQ like helicase; plus strand). Cytogenetic location: 8p12.
Variant type: single nucleotide variant.
Coding change: c.2310C>A on transcript NM_000553.6 (MANE Select); coding-DNA position 2310, C replaced by A.
Protein change: p.Tyr770Ter; replaces tyrosine 770 with a stop codon.
Molecular consequence: nonsense.
Genome position (GRCh38, 1-based): chr8:31,116,390, C>A. VCF-style: chr8-31116390-C-A. GRCh37 (hg19) VCF-style: chr8-30973906-C-A.
Other names: short protein forms Y770*.
Identifiers: ClinVar variation 2816653 (VCV002816653.3), dbSNP rs1801519418, ClinGen allele CA370913464.
Genomic context (GRCh38, chr8:31,116,390, plus strand): 5'-TCTTTTGTTCTTCTTTTTCTTTAGTTCCCACTGGGAATTTGAAGGTCCAACAATCATCTA[C>A]TGTCCTTCTAGAAAAATGACACAACAAGTTACAGGTGAACTTAGGAAACTGAATCTATCC-3'